The following is an entry in ClinVar:

ClinVar aggregate classification (germline): Uncertain significance (1 of 4 stars; one submission).

Allele frequency attached by ClinVar (database versions not stated): gnomAD exomes 0.00001; TOPMed 0.00001.
gnomAD v4.1: 9 of 1,614,146 alleles (0.00056%); highest among the groups gnomAD compares: Non-Finnish European, 0.00076%; no homozygotes.

Submission:

Labcorp Genetics (formerly Invitae), Labcorp
Classification: Uncertain significance. Last evaluated: 2021-08-03. Review status: criteria provided, single submitter. Criteria: Invitae Variant Classification Sherloc (09022015). Collection method: clinical testing. Allele origin: germline.
Comment: This sequence change replaces tryptophan with arginine at codon 1581 of the CAD protein (p.Trp1581Arg). The tryptophan residue is highly conserved and there is a moderate physicochemical difference between tryptophan and arginine. This variant is not present in population databases (ExAC no frequency). This variant has not been reported in the literature in individuals affected with CAD-related conditions. Algorithms developed to predict the effect of missense changes on protein structure and function are either unavailable or do not agree on the potential impact of this missense change (SIFT: "Deleterious"; PolyPhen-2: "Probably Damaging"; Align-GVGD: "Class C0"). In summary, the available evidence is currently insufficient to determine the role of this variant in disease. Therefore, it has been classified as a Variant of Uncertain Significance.

NM_004341.5(CAD):c.4741T>C (p.Trp1581Arg)

Gene: CAD (carbamoyl-phosphate synthetase 2, aspartate transcarbamylase, and dihydroorotase; plus strand). Cytogenetic location: 2p23.3.
Variant type: single nucleotide variant.
Coding change: c.4741T>C on transcript NM_004341.5 (MANE Select); coding-DNA position 4741, T replaced by C.
Protein change: p.Trp1581Arg; replaces tryptophan 1581 with arginine.
Molecular consequence: missense variant.
Genome position (GRCh38, 1-based): chr2:27,238,068, T>C. VCF-style: chr2-27238068-T-C. GRCh37 (hg19) VCF-style: chr2-27460936-T-C.
Other names: c.4552T>C, p.Trp1518Arg (NM_001306079.2); short protein forms W1518R, W1581R.
Identifiers: ClinVar variation 1364947 (VCV001364947.3), dbSNP rs1156880937, ClinGen allele CA346221347.
Genomic context (GRCh38, chr2:27,238,068, plus strand): 5'-ACAGTCAGAGATTCTGCACACTCCTTCATCAGTTCTTTCTGCTCCCAGCATTTCGAGACA[T>C]GGCCCTCCCACCTCCCCATTGTGGCTCACGCAGAGCAGCAAACCGTGGCTGCTGTCCTCA-3'
Protein context (NP_004332.2, residues 1571-1591): VVQWMEHFET[Trp1581Arg]PSHLPIVAHA